The following is an entry in ClinVar:

NM_004560.4(ROR2):c.1255G>T (p.Ala419Ser)

Gene: ROR2 (receptor tyrosine kinase like orphan receptor 2; minus strand). Cytogenetic location: 9q22.31.
Variant type: single nucleotide variant.
Coding change: c.1255G>T on transcript NM_004560.4 (MANE Select); coding-DNA position 1255, G replaced by T.
Protein change: p.Ala419Ser; replaces alanine 419 with serine.
Molecular consequence: missense variant. On other transcripts: synonymous variant (1).
Genome position (GRCh38, 1-based): chr9:91,726,672, C>A on the plus strand (G>T on the coding strand, the complement: ROR2 is on the minus strand). VCF-style: chr9-91726672-C-A. GRCh37 (hg19) VCF-style: chr9-94488954-C-A.
Other names: c.1221G>T, p.Ser407= (NM_001318204.2); short protein forms A419S.
Identifiers: ClinVar variation 3644988 (VCV003644988.2).
Genomic context (GRCh38, chr9:91,726,672, plus strand): 5'-GTGTGGACGCAGATGCCTTCTGCTTATTCCGGCACATGCAAACCAAGAAGAAAAGGCAAG[C>A]GATGACCAGTGGAATTGCGATGCTGGGGACCAAGATGTACAGAATCCCCATCTTGCTGCT-3'
Protein context (NP_004551.2, residues 409-429): VPSIAIPLVI[Ala419Ser]CLFFLVCMCR

ClinVar aggregate classification (germline): Uncertain significance (1 of 4 stars; one submission).

gnomAD v4.1: 2 of 1,613,910 alleles (0.00012%); highest among the groups gnomAD compares: African/African-American, 0.0027%; no homozygotes.

Submission:

Labcorp Genetics (formerly Invitae), Labcorp
Classification: Uncertain significance. Last evaluated: 2024-03-07. Review status: criteria provided, single submitter. Criteria: Invitae Variant Classification Sherloc (09022015). Collection method: clinical testing. Allele origin: germline.
Comment: This sequence change replaces alanine, which is neutral and non-polar, with serine, which is neutral and polar, at codon 419 of the ROR2 protein (p.Ala419Ser). This variant is present in population databases (no rsID available, gnomAD 0.007%). This variant has not been reported in the literature in individuals affected with ROR2-related conditions. Advanced modeling of protein sequence and biophysical properties (such as structural, functional, and spatial information, amino acid conservation, physicochemical variation, residue mobility, and thermodynamic stability) performed at Invitae indicates that this missense variant is not expected to disrupt ROR2 protein function with a negative predictive value of 80%. In summary, the available evidence is currently insufficient to determine the role of this variant in disease. Therefore, it has been classified as a Variant of Uncertain Significance.